The following is an entry in ClinVar:

ClinVar aggregate classification (germline): Benign. Review status: reviewed by expert panel (3 of 4 stars). 4 submissions from 4 submitters: Benign (1). 3 of the submissions do not count toward it. Last evaluated 2021-05-06.

Conditions:
Progressive sclerosing poliodystrophy (MTDPS4A). Also called: ALPERS PROGRESSIVE INFANTILE POLIODYSTROPHY; Alpers Syndrome; Alpers-Huttenlocher Syndrome; Mitochondrial DNA Depletion Syndrome 4A; Alpers-Huttenlocher Syndrome (AHS); NEURONAL DEGENERATION OF CHILDHOOD WITH LIVER DISEASE, PROGRESSIVE. Identifiers: Orphanet 726, MedGen C0205710, MONDO:0008758, OMIM 203700.
Mitochondrial disease. Also called: Mitochondrial disorders; Mitochondrial disorder. Identifiers: Orphanet 68380, MedGen C0751651, MeSH D028361, MONDO:0044970.

Allele frequency attached by ClinVar (database versions not stated): ESP Exome Variant Server 0.04378; TOPMed 0.04557; 1000 Genomes Project 0.04792; 1000 Genomes Project 30x 0.04903.
gnomAD v4.1: 12,728 of 1,589,266 alleles (0.8%); highest among the groups gnomAD compares: African/African-American, 14%; 736 homozygotes.

Submissions (4):

ClinGen Mitochondrial Disease Nuclear and Mitochondrial  Variant Curation Expert Panel, ClinGen
Classification: Benign for Mitochondrial disease. Last evaluated: 2021-05-06. Review status: reviewed by expert panel. Criteria: clingen mito disease acmg specifications v1-1. Collection method: curation. Allele origin: germline. Inheritance: Autosomal recessive inheritance.
Comment: The c.3483-41 A>C variant in POLG is present in population databases at the following frequencies: 1000 genomes at 1.7%; gnomad at 1.4% with 246 homozygotes; ExAC 1.3% with 104 homozygotes (BA1; observed > 1% frequency and BS2). In summary, there is sufficient evidence to characterize this variant as benign for primary mitochondrial disease inherited in a autosomal recessive manner. ntDNA Mitochondrial ACMG-AMP Criteria for POLG applied: BA1, BS2

GeneDx
Classification: Benign. Last evaluated: 2019-07-25. Review status: criteria provided, single submitter. Criteria: GeneDx Variant Classification Process June 2021. Collection method: clinical testing. Allele origin: germline. Affected: yes. Not counted in ClinVar's aggregate classification.

Wong Mito Lab, Molecular and Human Genetics, Baylor College of Medicine
Classification: Benign for Progressive sclerosing poliodystrophy. Last evaluated: 2018-10-01. Review status: criteria provided, single submitter. Criteria: ACMG Guidelines, 2015. Collection method: clinical testing. Allele origin: germline. Not counted in ClinVar's aggregate classification.
Comment: The NM_002693.2:c.3483-41A>C (NP_002684.1:p.=) [GRCH38: NC_000015.10:g.89317577T>G] variant in POLG gene is interpretated to be a Benign based on ACMG guidelines (PMID: 25741868). This variant meets the following evidence codes reported in the ACMG-guideline. BA1:Minor allele frequency is too high for the Mitochondrial DNA depletion syndrome 4A (Alpers type). BP4:Computational evidence/predictors indicate no impact on the POLG structure, function, or protein-protein interaction. Based on the evidence criteria codes applied, the variant is suggested to be Benign.

Breakthrough Genomics
Classification: Benign. Review status: criteria provided, single submitter. Criteria: ACMG Guidelines, 2015. Collection method: not provided. Allele origin: germline. Inheritance: Autosomal recessive inheritance. Affected: yes. Not counted in ClinVar's aggregate classification.

NM_002693.3(POLG):c.3483-41A>C

Gene: POLG (DNA polymerase gamma, catalytic subunit; minus strand). Cytogenetic location: 15q26.1.
Variant type: single nucleotide variant.
Coding change: c.3483-41A>C on transcript NM_002693.3 (MANE Select); 41 bases into the intron before coding-DNA position 3483, A replaced by C.
Molecular consequence: intron variant.
Genome position (GRCh38, 1-based): chr15:89,317,577, T>G on the plus strand (A>C on the coding strand, the complement: POLG is on the minus strand). VCF-style: chr15-89317577-T-G. GRCh37 (hg19) VCF-style: chr15-89860808-T-G.
Other names: NM_002693.2(POLG):c.3483-41A>C; c.3483-41A>C (NM_001126131.2).
Identifiers: ClinVar variation 619494 (VCV000619494.5), dbSNP rs2307436, ClinGen allele CA7724119.